The following is an entry in ClinVar:

ClinVar aggregate classification (germline): Uncertain significance (1 of 4 stars; one submission).

Submission:

Labcorp Genetics (formerly Invitae), Labcorp
Classification: Uncertain significance. Last evaluated: 2025-08-01. Review status: criteria provided, single submitter. Criteria: Invitae Variant Classification Sherloc (09022015). Collection method: clinical testing. Allele origin: germline.
Comment: This sequence change replaces serine, which is neutral and polar, with glycine, which is neutral and non-polar, at codon 811 of the ADGRE2 protein (p.Ser811Gly). This variant is not present in population databases (gnomAD no frequency). This variant has not been reported in the literature in individuals affected with ADGRE2-related conditions. ClinVar contains an entry for this variant (Variation ID: 2962860). An algorithm developed to predict the effect of missense changes on protein structure and function outputs the following: PolyPhen-2: "Benign". The glycine amino acid residue is found in multiple mammalian species, which suggests that this missense change does not adversely affect protein function. In summary, the available evidence is currently insufficient to determine the role of this variant in disease. Therefore, it has been classified as a Variant of Uncertain Significance.

NM_013447.4(ADGRE2):c.2431A>G (p.Ser811Gly)

Gene: ADGRE2 (adhesion G protein-coupled receptor E2; minus strand). Cytogenetic location: 19p13.12.
Variant type: single nucleotide variant.
Coding change: c.2431A>G on transcript NM_013447.4 (MANE Select); coding-DNA position 2431, A replaced by G.
Protein change: p.Ser811Gly; replaces serine 811 with glycine.
Molecular consequence: missense variant.
Genome position (GRCh38, 1-based): chr19:14,743,452, T>C on the plus strand (A>G on the coding strand, the complement: ADGRE2 is on the minus strand). VCF-style: chr19-14743452-T-C. GRCh37 (hg19) VCF-style: chr19-14854264-T-C.
Other names: c.2257A>G, p.Ser753Gly (NM_001271052.1); c.2284A>G, p.Ser762Gly (NM_152916.2); c.2152A>G, p.Ser718Gly (NM_152917.2); short protein forms S718G, S753G, S811G, S762G.
Identifiers: ClinVar variation 2962860 (VCV002962860.3), dbSNP rs2042989150, ClinGen allele CA404450913.